The following is an entry in ClinVar:

ClinVar aggregate classification (germline): Uncertain significance (1 of 4 stars; one submission).

Conditions:
Hereditary cancer-predisposing syndrome. Also called: Neoplastic Syndromes, Hereditary; Tumor predisposition; Hereditary Cancer Syndrome; Hereditary neoplastic syndrome. Identifiers: Orphanet 140162, MedGen C0027672, MeSH D009386, MONDO:0015356.

Submission:

Ambry Genetics
Classification: Uncertain significance for Hereditary cancer-predisposing syndrome. Last evaluated: 2022-10-12. Review status: criteria provided, single submitter. Criteria: Ambry Variant Classification Scheme 2023. Collection method: clinical testing. Allele origin: germline.
Comment: The p.Q1380R variant (also known as c.4139A>G), located in coding exon 33 of the TSC2 gene, results from an A to G substitution at nucleotide position 4139. The glutamine at codon 1380 is replaced by arginine, an amino acid with highly similar properties. This amino acid position is conserved. In addition, this alteration is predicted to be deleterious by in silico analysis. Since supporting evidence is limited at this time, the clinical significance of this alteration remains unclear.

NM_000548.5(TSC2):c.4139A>G (p.Gln1380Arg)

Gene: TSC2 (TSC complex subunit 2; plus strand). Cytogenetic location: 16p13.3.
Variant type: single nucleotide variant.
Coding change: c.4139A>G on transcript NM_000548.5 (MANE Select); coding-DNA position 4139, A replaced by G.
Protein change: p.Gln1380Arg; replaces glutamine 1380 with arginine.
Molecular consequence: missense variant.
Genome position (GRCh38, 1-based): chr16:2,084,361, A>G. VCF-style: chr16-2084361-A-G. GRCh37 (hg19) VCF-style: chr16-2134362-A-G.
Other names: c.3938A>G, p.Gln1313Arg (NM_001077183.3); c.4070A>G, p.Gln1357Arg (NM_001114382.3); c.3830A>G, p.Gln1277Arg (NM_001318827.2); c.3794A>G, p.Gln1265Arg (NM_001318829.2); c.3407A>G, p.Gln1136Arg (NM_001318831.2); c.3971A>G, p.Gln1324Arg (NM_001318832.2); c.3941A>G, p.Gln1314Arg (NM_001363528.2); c.4007A>G, p.Gln1336Arg (NM_001370404.1); and 26 more; short protein forms Q1264R, Q1276R, Q1277R, Q1307R, Q1336R, Q1337R, Q1357R, Q865R.
Identifiers: ClinVar variation 1738128 (VCV001738128.2), dbSNP rs2151524503, ClinGen allele CA394299629.